The following is an entry in ClinVar:

ClinVar aggregate classification (germline): Uncertain significance (1 of 4 stars; one submission).

Allele frequency attached by ClinVar (database versions not stated): gnomAD exomes below 0.00001; TOPMed below 0.00001; gnomAD 0.00001.
gnomAD v4.1: 4 of 1,534,800 alleles (0.00026%); highest among the groups gnomAD compares: Non-Finnish European, 0.00035%; no homozygotes.

Submission:

Center for Pediatric Genomic Medicine, Children's Mercy Hospital and Clinics
Classification: Uncertain significance. Last evaluated: 2016-09-15. Review status: criteria provided, single submitter. Criteria: ACMG Guidelines, 2015. Collection method: clinical testing. Allele origin: germline.
ClinVar note: Converted during submission from Uncertain Significance to Uncertain significance.

NM_000900.5(MGP):c.62-638G>C

Gene: MGP (matrix Gla protein; minus strand). Cytogenetic location: 12p12.3.
Variant type: single nucleotide variant.
Coding change: c.62-638G>C on transcript NM_000900.5 (MANE Select); 638 bases into the intron before coding-DNA position 62, G replaced by C.
Molecular consequence: intron variant. On other transcripts: missense variant (1).
Genome position (GRCh38, 1-based): chr12:14,884,883, C>G on the plus strand (G>C on the coding strand, the complement: MGP is on the minus strand). VCF-style: chr12-14884883-C-G. GRCh37 (hg19) VCF-style: chr12-15037817-C-G.
Other names: c.66G>C, p.Glu22Asp (NM_001190839.3); short protein forms E22D.
Identifiers: ClinVar variation 377307 (VCV000377307.3), dbSNP rs1057520189, ClinGen allele CA16603333.